The following is an entry in ClinVar:

ClinVar aggregate classification (germline): Uncertain significance (1 of 4 stars; one submission).

Conditions:
DYRK1B-related disorder. Also called: DYRK1B-related condition.

Allele frequency attached by ClinVar (database versions not stated): ExAC 0.00001; gnomAD exomes 0.00001.
gnomAD v4.1: 6 of 1,614,236 alleles (0.00037%); highest among the groups gnomAD compares: Admixed American, 0.0033%; no homozygotes.

Submission:

PreventionGenetics, part of Exact Sciences
Classification: Uncertain significance for DYRK1B-related condition. Last evaluated: 2023-05-17. Review status: criteria provided, single submitter. Criteria: ACMG Guidelines, 2015. Collection method: clinical testing. Allele origin: germline.
Comment: The DYRK1B c.254A>G variant is predicted to result in the amino acid substitution p.Lys85Arg. To our knowledge, this variant has not been reported in the literature. This variant is reported in 0.0028% of alleles in individuals of Latino descent in gnomAD. At this time, the clinical significance of this variant is uncertain due to the absence of conclusive functional and genetic evidence.

NM_004714.3(DYRK1B):c.254A>G (p.Lys85Arg)

Gene: DYRK1B (dual specificity tyrosine phosphorylation regulated kinase 1B; minus strand). Cytogenetic location: 19q13.2.
Variant type: single nucleotide variant.
Coding change: c.254A>G on transcript NM_004714.3 (MANE Select); coding-DNA position 254, A replaced by G.
Protein change: p.Lys85Arg; replaces lysine 85 with arginine.
Molecular consequence: missense variant.
Genome position (GRCh38, 1-based): chr19:39,830,493, T>C on the plus strand (A>G on the coding strand, the complement: DYRK1B is on the minus strand). VCF-style: chr19-39830493-T-C. GRCh37 (hg19) VCF-style: chr19-40321133-T-C.
Other names: c.254A>G, p.Lys85Arg (NM_006483.3, NM_006484.3); short protein forms K85R.
Identifiers: ClinVar variation 2629473 (VCV002629473.1), dbSNP rs777674210, ClinGen allele CA9434378.
Genomic context (GRCh38, chr19:39,830,493, plus strand): 5'-TCGCCACTGCGCACGATGTAGTCATGGTTGTCGTCATCATAACCATGGTTCAGGACCTTC[T>C]TCTCCTTCTTGTTGCTCGAATCCTGGGGTGGCGCCTGCTGGGCCCGCCGCTTCTTCTTCG-3'
Protein context (NP_004705.1, residues 75-95): PPQDSSNKKE[Lys85Arg]KVLNHGYDDD